The following is an entry in ClinVar:

NM_025137.4(SPG11):c.6681G>A (p.Met2227Ile)

Gene: SPG11 (SPG11 vesicle trafficking associated, spatacsin; minus strand). Cytogenetic location: 15q21.1.
Variant type: single nucleotide variant.
Coding change: c.6681G>A on transcript NM_025137.4 (MANE Select); coding-DNA position 6681, G replaced by A.
Protein change: p.Met2227Ile; replaces methionine 2227 with isoleucine.
Molecular consequence: missense variant.
Genome position (GRCh38, 1-based): chr15:44,567,497, C>T on the plus strand (G>A on the coding strand, the complement: SPG11 is on the minus strand). VCF-style: chr15-44567497-C-T. GRCh37 (hg19) VCF-style: chr15-44859695-C-T.
Other names: c.6681G>A (NM_025137.3); c.6342G>A, p.Met2114Ile (NM_001160227.2); c.6537G>A, p.Met2179Ile (NM_001411132.1); short protein forms M2114I, M2179I, M2227I.
Identifiers: ClinVar variation 2414572 (VCV002414572.5), dbSNP rs1224390876, ClinGen allele CA392214996.

ClinVar aggregate classification (germline): Uncertain significance. Review status: criteria provided, multiple submitters, no conflicts (2 of 4 stars). 2 submissions from 2 submitters: Uncertain significance (2). Last evaluated 2025-09-01.

Conditions:
Inborn genetic diseases. Identifiers: MedGen C0950123, MeSH D030342.
Hereditary spastic paraplegia 11. Also called: Spastic paraplegia, mental retardation and thin corpus callosum; SPASTIC PARAPLEGIA, AUTOSOMAL RECESSIVE, COMPLICATED, WITH THIN CORPUS CALLOSUM; SPASTIC PARAPLEGIA, AUTOSOMAL RECESSIVE, WITH MENTAL IMPAIRMENT AND THIN CORPUS CALLOSUM; Spastic Paraplegia 11; Nakamura Osame syndrome; Autosomal recessive hereditary spastic paraplegia, mental impairment, and thin corpus callosum. Identifiers: Orphanet 2822, MedGen C1858479, MONDO:0011445, OMIM 604360.

Allele frequency attached by ClinVar (database versions not stated): gnomAD exomes below 0.00001; TOPMed below 0.00001.
gnomAD v4.1: 2 of 1,614,104 alleles (0.00012%); highest among the groups gnomAD compares: Admixed American, 0.0033%; no homozygotes.

Submissions (2):

Ambry Genetics
Classification: Uncertain significance for Inborn genetic diseases. Last evaluated: 2025-09-01. Review status: criteria provided, single submitter. Criteria: Ambry Variant Classification Scheme 2023. Collection method: clinical testing. Allele origin: germline.

Labcorp Genetics (formerly Invitae), Labcorp
Classification: Uncertain significance for Hereditary spastic paraplegia 11. Last evaluated: 2022-06-01. Review status: criteria provided, single submitter. Criteria: Invitae Variant Classification Sherloc (09022015). Collection method: clinical testing. Allele origin: germline.
Comment: This variant has not been reported in the literature in individuals affected with SPG11-related conditions. This variant is present in population databases (no rsID available, gnomAD 0.003%). This sequence change replaces methionine, which is neutral and non-polar, with isoleucine, which is neutral and non-polar, at codon 2227 of the SPG11 protein (p.Met2227Ile). Algorithms developed to predict the effect of missense changes on protein structure and function are either unavailable or do not agree on the potential impact of this missense change (SIFT: "Deleterious"; PolyPhen-2: "Benign"; Align-GVGD: "Class C0"). In summary, the available evidence is currently insufficient to determine the role of this variant in disease. Therefore, it has been classified as a Variant of Uncertain Significance.